The following is an entry in ClinVar:

ClinVar aggregate classification (germline): Benign. Review status: criteria provided, multiple submitters, no conflicts (2 of 4 stars). 2 submissions from 2 submitters: Benign (2). Last evaluated 2018-01-13.

Conditions:
Multiple synostoses syndrome 3 (SYNS3). Identifiers: Orphanet 3237, MedGen C2751826, MONDO:0013064, OMIM 612961.

Allele frequency attached by ClinVar (database versions not stated): 1000 Genomes Project 30x 0.01608; gnomAD 0.01723 and 0.01609; 1000 Genomes Project 0.01538; TOPMed 0.01827.

Submissions (2):

Illumina Laboratory Services, Illumina
Classification: Benign for Multiple synostoses syndrome 3. Last evaluated: 2018-01-13. Review status: criteria provided, single submitter. Criteria: ICSL Variant Classification Criteria 13 December 2019. Collection method: clinical testing. Allele origin: germline.
Comment: This variant was observed in the ICSL laboratory as part of a predisposition screen in an ostensibly healthy population. It had not been previously curated by ICSL or reported in the Human Gene Mutation Database (HGMD: prior to June 1st, 2018), and was therefore a candidate for classification through an automated scoring system. Utilizing variant allele frequency, disease prevalence and penetrance estimates, and inheritance mode, an automated score was calculated to assess if this variant is too frequent to cause the disease. Based on the score and internal cut-off values, a variant classified as benign is not then subjected to further curation. The score for this variant resulted in a classification of benign for this disease.

Breakthrough Genomics
Classification: Benign. Review status: criteria provided, single submitter. Criteria: ACMG Guidelines, 2015. Collection method: not provided. Allele origin: germline. Inheritance: Autosomal dominant inheritance. Affected: yes.

NM_002010.3(FGF9):c.*2585C>T

Gene: FGF9 (fibroblast growth factor 9; plus strand). Cytogenetic location: 13q12.11.
Variant type: single nucleotide variant.
Coding change: c.*2585C>T on transcript NM_002010.3 (MANE Select); 2585 bases downstream of the stop codon, C replaced by T.
Molecular consequence: 3 prime UTR variant.
Genome position (GRCh38, 1-based): chr13:21,704,020, C>T. VCF-style: chr13-21704020-C-T. GRCh37 (hg19) VCF-style: chr13-22278159-C-T.
Identifiers: ClinVar variation 311471 (VCV000311471.6), dbSNP rs74036838, ClinGen allele CA10639166.